The following is an entry in ClinVar:

ClinVar aggregate classification (germline): Uncertain significance (1 of 4 stars; one submission).

Conditions:
Ullrich congenital muscular dystrophy 2 (UCMD2). Identifiers: Orphanet 75840, MedGen C4225314, MONDO:0014654, OMIM 616470.
Bethlem myopathy 2 (BTHLM2). Identifiers: Orphanet 536516, Orphanet 610, MedGen C4225313, MONDO:0034022, OMIM 616471.

gnomAD v4.1: 2 of 1,610,568 alleles (0.00012%); highest among the groups gnomAD compares: Middle Eastern, 0.017%; no homozygotes.

Submission:

Labcorp Genetics (formerly Invitae), Labcorp
Classification: Uncertain significance for Bethlem myopathy 2; Ullrich congenital muscular dystrophy 2. Last evaluated: 2024-07-24. Review status: criteria provided, single submitter. Criteria: Invitae Variant Classification Sherloc (09022015). Collection method: clinical testing. Allele origin: germline.
Comment: This sequence change replaces serine, which is neutral and polar, with phenylalanine, which is neutral and non-polar, at codon 1790 of the COL12A1 protein (p.Ser1790Phe). This variant is present in population databases (rs199684959, gnomAD 0.0009%). This variant has not been reported in the literature in individuals affected with COL12A1-related conditions. Advanced modeling of protein sequence and biophysical properties (such as structural, functional, and spatial information, amino acid conservation, physicochemical variation, residue mobility, and thermodynamic stability) performed at Invitae indicates that this missense variant is not expected to disrupt COL12A1 protein function with a negative predictive value of 80%. In summary, the available evidence is currently insufficient to determine the role of this variant in disease. Therefore, it has been classified as a Variant of Uncertain Significance.

NM_004370.6(COL12A1):c.5369C>T (p.Ser1790Phe)

Gene: COL12A1 (collagen type XII alpha 1 chain; minus strand). Cytogenetic location: 6q13.
Variant type: single nucleotide variant.
Coding change: c.5369C>T on transcript NM_004370.6 (MANE Select); coding-DNA position 5369, C replaced by T.
Protein change: p.Ser1790Phe; replaces serine 1790 with phenylalanine.
Molecular consequence: missense variant.
Genome position (GRCh38, 1-based): chr6:75,137,462, G>A on the plus strand (C>T on the coding strand, the complement: COL12A1 is on the minus strand). VCF-style: chr6-75137462-G-A. GRCh37 (hg19) VCF-style: chr6-75847178-G-A.
Other names: c.5369C>T, p.Ser1790Phe (NM_001424113.1); c.5348C>T, p.Ser1783Phe (NM_001424114.1); c.5096C>T, p.Ser1699Phe (NM_001424115.1); c.1877C>T, p.Ser626Phe (NM_001424116.1, NM_080645.3); short protein forms S1699F, S1783F, S1790F, S626F.
Identifiers: ClinVar variation 3750099 (VCV003750099.2).